The following is an entry in ClinVar:

NM_000081.4(LYST):c.2812A>G (p.Ser938Gly)

Gene: LYST (lysosomal trafficking regulator; minus strand). Cytogenetic location: 1q42.3.
Variant type: single nucleotide variant.
Coding change: c.2812A>G on transcript NM_000081.4 (MANE Select); coding-DNA position 2812, A replaced by G.
Protein change: p.Ser938Gly; replaces serine 938 with glycine.
Molecular consequence: missense variant.
Genome position (GRCh38, 1-based): chr1:235,806,324, T>C on the plus strand (A>G on the coding strand, the complement: LYST is on the minus strand). VCF-style: chr1-235806324-T-C. GRCh37 (hg19) VCF-style: chr1-235969624-T-C.
Other names: c.2812A>G, p.Ser938Gly (NM_001301365.1); short protein forms S938G.
Identifiers: ClinVar variation 1413312 (VCV001413312.3), dbSNP rs2102863522, ClinGen allele CA344955143.

ClinVar aggregate classification (germline): Uncertain significance (1 of 4 stars; one submission).

Conditions:
Chédiak-Higashi syndrome (CHS). Also called: Chediak-Higashi Syndrome. Identifiers: Orphanet 167, MedGen C0007965, MONDO:0008963, OMIM 214500.

Submission:

Labcorp Genetics (formerly Invitae), Labcorp
Classification: Uncertain significance for Chédiak-Higashi syndrome. Last evaluated: 2022-03-11. Review status: criteria provided, single submitter. Criteria: Invitae Variant Classification Sherloc (09022015). Collection method: clinical testing. Allele origin: germline.
Comment: This sequence change replaces serine, which is neutral and polar, with glycine, which is neutral and non-polar, at codon 938 of the LYST protein (p.Ser938Gly). This variant is not present in population databases (gnomAD no frequency). This variant has not been reported in the literature in individuals affected with LYST-related conditions. Algorithms developed to predict the effect of missense changes on protein structure and function (SIFT, PolyPhen-2, Align-GVGD) all suggest that this variant is likely to be tolerated. In summary, the available evidence is currently insufficient to determine the role of this variant in disease. Therefore, it has been classified as a Variant of Uncertain Significance.